The following is an entry in ClinVar:

NM_020919.4(ALS2):c.3462G>A (p.Gln1154=)

Gene: ALS2 (alsin Rho guanine nucleotide exchange factor ALS2; minus strand). Cytogenetic location: 2q33.1.
Variant type: single nucleotide variant.
Coding change: c.3462G>A on transcript NM_020919.4 (MANE Select); coding-DNA position 3462, G replaced by A.
Protein change: p.Gln1154=; no amino-acid change (glutamine 1154 retained).
Molecular consequence: synonymous variant.
Genome position (GRCh38, 1-based): chr2:201,724,345, C>T on the plus strand (G>A on the coding strand, the complement: ALS2 is on the minus strand). VCF-style: chr2-201724345-C-T. GRCh37 (hg19) VCF-style: chr2-202589068-C-T.
Identifiers: ClinVar variation 699737 (VCV000699737.15), dbSNP rs556027390, ClinGen allele CA2057874.

ClinVar aggregate classification (germline): Benign/Likely benign. Review status: criteria provided, multiple submitters, no conflicts (2 of 4 stars). 4 submissions from 3 submitters: Benign (1); Likely benign (2). 1 of the submissions does not count toward it. Last evaluated 2025-11-27.

Conditions:
Amyotrophic lateral sclerosis type 2, juvenile. Also called: ALS, JUVENILE; Amyotrophic lateral sclerosis type 2. Identifiers: Orphanet 300605, MedGen C1859807, MONDO:0008780, OMIM 205100.
ALS2-related disorder. Also called: ALS2-related condition; ALS2-related disorders; ALS2-Related Spectrum Disorders. Identifiers: MedGen CN169291.
Infantile-onset ascending hereditary spastic paralysis (IAHSP). Also called: Infantile-Onset Ascending Hereditary Spastic Paralysis (IAHSP); Autosomal Recessive Juvenile Amyotrophic Lateral Sclerosis. Identifiers: Orphanet 293168, MedGen C2931441, MONDO:0011797, OMIM 607225. Disease mechanism: loss of function.

Allele frequency attached by ClinVar (database versions not stated): gnomAD 0.00013; TOPMed 0.00029; 1000 Genomes Project 0.00080; 1000 Genomes Project 30x 0.00094.
gnomAD v4.1: 142 of 1,614,004 alleles (0.0088%); highest among the groups gnomAD compares: East Asian, 0.3%; no homozygotes.

Submissions (4):

Labcorp Genetics (formerly Invitae), Labcorp
Classification: Benign for Infantile-onset ascending hereditary spastic paralysis. Last evaluated: 2025-11-27. Review status: criteria provided, single submitter. Criteria: Invitae Variant Classification Sherloc (09022015). Collection method: clinical testing. Allele origin: germline.

Illumina Laboratory Services, Illumina
Classification: Likely benign for ALS2-Related Disorders. Last evaluated: 2018-01-13. Review status: criteria provided, single submitter. Criteria: ICSL Variant Classification Criteria 13 December 2019. Collection method: clinical testing. Allele origin: germline.
Comment: This variant was observed in the ICSL laboratory as part of a predisposition screen in an ostensibly healthy population. It had not been previously curated by ICSL or reported in the Human Gene Mutation Database (HGMD: prior to June 1st, 2018), and was therefore a candidate for classification through an automated scoring system. Utilizing variant allele frequency, disease prevalence and penetrance estimates, and inheritance mode, an automated score was calculated to assess if this variant is too frequent to cause the disease. Based on the score and internal cut-off values, a variant classified as likely benign is not then subjected to further curation. The score for this variant resulted in a classification of likely benign for this disease.

Illumina Laboratory Services, Illumina
Classification: Likely benign for Amyotrophic lateral sclerosis type 2. Last evaluated: 2018-01-13. Review status: criteria provided, single submitter. Criteria: ICSL Variant Classification Criteria 13 December 2019. Collection method: clinical testing. Allele origin: germline.
Comment: the same text as in the submission from Illumina Laboratory Services, Illumina above.

PreventionGenetics, part of Exact Sciences
Classification: Likely benign for ALS2-related condition. Last evaluated: 2019-06-17. Review status: no assertion criteria provided. Collection method: clinical testing. Allele origin: germline. Not counted in ClinVar's aggregate classification.
Comment: This variant is classified as likely benign based on ACMG/AMP sequence variant interpretation guidelines (Richards et al. 2015 PMID: 25741868, with internal and published modifications).